The following is an entry in ClinVar:

NM_000059.4(BRCA2):c.2458G>C (p.Asp820His)

Gene: BRCA2 (BRCA2 DNA repair associated; plus strand). Cytogenetic location: 13q13.1.
Variant type: single nucleotide variant.
Coding change: c.2458G>C on transcript NM_000059.4 (MANE Select); coding-DNA position 2458, G replaced by C.
Protein change: p.Asp820His; replaces aspartic acid 820 with histidine.
Molecular consequence: missense variant.
Genome position (GRCh38, 1-based): chr13:32,336,813, G>C. VCF-style: chr13-32336813-G-C. GRCh37 (hg19) VCF-style: chr13-32910950-G-C.
Other names: short protein forms D820H.
Identifiers: ClinVar variation 821310 (VCV000821310.13), dbSNP rs1593896974, ClinGen allele CA387772314.
Genomic context (GRCh38, chr13:32,336,813, plus strand): 5'-GGTAACAATTATGAATCTGATGTTGAATTAACCAAAAATATTCCCATGGAAAAGAATCAA[G>C]ATGTATGTGCTTTAAATGAAAATTATAAAAACGTTGAGCTGTTGCCACCTGAAAAATACA-3'
Protein context (NP_000050.3, residues 810-830): TKNIPMEKNQ[Asp820His]VCALNENYKN

ClinVar aggregate classification (germline): Conflicting classifications of pathogenicity. Review status: criteria provided, conflicting classifications (1 of 4 stars). 3 submissions from 3 submitters: Uncertain significance (2); Likely benign (1). Last evaluated 2023-03-23.

Conditions:
Hereditary cancer-predisposing syndrome. Also called: Neoplastic Syndromes, Hereditary; Tumor predisposition; Hereditary Cancer Syndrome; Hereditary neoplastic syndrome. Identifiers: Orphanet 140162, MedGen C0027672, MeSH D009386, MONDO:0015356.
Hereditary breast ovarian cancer syndrome. Also called: Hereditary breast and/or ovarian cancer syndrome; BRCA1- and BRCA2-Associated Hereditary Breast and Ovarian Cancer; Hereditary breast and ovarian cancer syndrome; Hereditary breast and ovarian cancer; Hereditary breast and ovarian cancer syndrome (HBOC); Breast and ovarian cancer. Identifiers: Orphanet 145, MedGen C0677776, MeSH D061325, MONDO:0003582. Disease mechanism: loss of function.

gnomAD v4.1: 1 of 1,606,568 alleles (0.000062%); highest among the groups gnomAD compares: Non-Finnish European, 0.000085%; no homozygotes.

Submissions (3):

University of Washington Department of Laboratory Medicine, University of Washington
Classification: Likely benign for Hereditary cancer-predisposing syndrome. Last evaluated: 2023-03-23. Review status: criteria provided, single submitter. Criteria: Dines et al. (Genet Med. 2020). Collection method: curation. Allele origin: germline.
Comment: Missense variant in a coldspot region where missense variants are very unlikely to be pathogenic (PMID:31911673).

BRCA2 exon 11 coldspot. Reclassification based on statistical prior probability.

Labcorp Genetics (formerly Invitae), Labcorp
Classification: Uncertain significance for Hereditary breast ovarian cancer syndrome. Last evaluated: 2021-03-13. Review status: criteria provided, single submitter. Criteria: Invitae Variant Classification Sherloc (09022015). Collection method: clinical testing. Allele origin: germline.
Comment: This variant is not present in population databases (ExAC no frequency). This sequence change replaces aspartic acid with histidine at codon 820 of the BRCA2 protein (p.Asp820His). The aspartic acid residue is weakly conserved and there is a moderate physicochemical difference between aspartic acid and histidine. This variant has not been reported in the literature in individuals with BRCA2-related conditions. ClinVar contains an entry for this variant (Variation ID: 821310). Advanced modeling of protein sequence and biophysical properties (such as structural, functional, and spatial information, amino acid conservation, physicochemical variation, residue mobility, and thermodynamic stability) performed at Invitae indicates that this missense variant is not expected to disrupt BRCA2 protein function. In summary, the available evidence is currently insufficient to determine the role of this variant in disease. Therefore, it has been classified as a Variant of Uncertain Significance.

Ambry Genetics
Classification: Uncertain significance for Hereditary cancer-predisposing syndrome. Last evaluated: 2018-10-11. Review status: criteria provided, single submitter. Criteria: Ambry Variant Classification Scheme 2023. Collection method: clinical testing. Allele origin: germline.
Comment: The p.D820H variant (also known as c.2458G>C), located in coding exon 10 of the BRCA2 gene, results from a G to C substitution at nucleotide position 2458. The aspartic acid at codon 820 is replaced by histidine, an amino acid with similar properties. This amino acid position is poorly conserved in available vertebrate species. In addition, this alteration is predicted to be tolerated by in silico analysis. Since supporting evidence is limited at this time, the clinical significance of this alteration remains unclear.